The following is an entry in ClinVar:

NM_001267550.2(TTN):c.4347A>G (p.Ser1449=)

Genes: TTN (titin; minus strand), LOC101927055 (uncharacterized LOC101927055; plus strand). Cytogenetic location: 2q31.2.
Variant type: single nucleotide variant.
Coding change: c.4347A>G on transcript NM_001267550.2 (MANE Select); coding-DNA position 4347, A replaced by G.
Protein change: p.Ser1449=; no amino-acid change (serine 1449 retained).
Molecular consequence: synonymous variant. On other transcripts: non-coding transcript variant (1).
Genome position (GRCh38, 1-based): chr2:178,777,837, T>C on the plus strand (A>G on the coding strand, the complement: TTN is on the minus strand). VCF-style: chr2-178777837-T-C. GRCh37 (hg19) VCF-style: chr2-179642564-T-C.
Other names: p.S1449S:TCA>TCG; p.Ser1449=; c.4347A>G, p.Ser1449= (NM_001256850.1, NM_133378.4, NM_133379.5); c.4209A>G, p.Ser1403= (NM_003319.4, NM_133432.3, NM_133437.4); c.4347A>G (NM_001267550.1).
Identifiers: ClinVar variation 47050 (VCV000047050.40), dbSNP rs719202, ClinGen allele CA283386.
Genomic context (GRCh38, chr2:178,777,837, plus strand): 5'-TAAACATTTGAAAGAAACAGGTTTTAACACAAAGACTGGTTTATATAGTCTCTCAAGTTG[T>C]GACTCATCTGTCTCCTCCAGCCTACGTCCAGGGGACATTCTTGCAGGGGACATCCGTGCA-3'
Protein context (NP_001254479.2, residues 1439-1459): PGRRLEETDE[Ser1449=]QLERLYKPVF

ClinVar aggregate classification (germline): Benign/Likely benign. Review status: criteria provided, multiple submitters, no conflicts (2 of 4 stars). 23 submissions from 16 submitters: Benign (17); Likely benign (3). 3 of the submissions do not count toward it. Last evaluated 2026-02-04.

Conditions:
Cardiovascular phenotype. Identifiers: MedGen CN230736.
Dilated cardiomyopathy 1G (CMD1G). Identifiers: Orphanet 154, MedGen C1858763, MONDO:0011400, OMIM 604145.
Autosomal recessive limb-girdle muscular dystrophy type 2J (LGMDR10). Also called: Limb-girdle muscular dystrophy, type 2J; MUSCULAR DYSTROPHY, LIMB-GIRDLE, AUTOSOMAL RECESSIVE 10. Identifiers: Orphanet 140922, MedGen C1837342, MONDO:0012127, OMIM 608807.
Cardiomyopathy (CMYO). Also called: Cardiomyopathies. Identifiers: Orphanet 167848, MedGen C0878544, MONDO:0004994, HP:0001638. Inheritance: Various modes of inheritance.
Early-onset myopathy with fatal cardiomyopathy (CMYO5). Also called: CONGENITAL MYOPATHY 5 WITH CARDIOMYOPATHY; Salih Myopathy. Identifiers: Orphanet 289377, MedGen C2673677, MONDO:0012714, OMIM 611705. Disease mechanism: loss of function.
Myopathy, myofibrillar, 9, with early respiratory failure (MFM9). Also called: MYOPATHY, PROXIMAL, WITH EARLY RESPIRATORY MUSCLE INVOLVEMENT; Myopathy, distal, with early respiratory failure, autosomal dominant; Hereditary myopathy with early respiratory failure; EDSTROM MYOPATHY. Identifiers: Orphanet 178464, Orphanet 34521, MedGen C1863599, MONDO:0011362, OMIM 603689.
Tibial muscular dystrophy (TMD). Also called: Tibial muscular dystrophy, tardive; UDD MYOPATHY; Udd Distal Myopathy – Tibial Muscular Dystrophy. Identifiers: Orphanet 609, MedGen C1838244, MONDO:0010870, OMIM 600334.

Allele frequency attached by ClinVar (database versions not stated): gnomAD exomes 0.00097 and 0.00279; ExAC 0.00354; gnomAD 0.01042; TOPMed 0.01209; ESP Exome Variant Server 0.01223; 1000 Genomes Project 30x 0.01249; 1000 Genomes Project 0.01278.
gnomAD v4.1: 3,186 of 1,614,044 alleles (0.2%); highest among the groups gnomAD compares: African/African-American, 3.7%; 67 homozygotes.

Submissions (23):

Labcorp Genetics (formerly Invitae), Labcorp
Classification: Benign for Dilated cardiomyopathy 1G; Autosomal recessive limb-girdle muscular dystrophy type 2J. Last evaluated: 2026-02-04. Review status: criteria provided, single submitter. Criteria: Invitae Variant Classification Sherloc (09022015). Collection method: clinical testing. Allele origin: germline.

ARUP Laboratories, Molecular Genetics and Genomics, ARUP Laboratories
Classification: Benign. Last evaluated: 2025-07-01. Review status: criteria provided, single submitter. Criteria: ARUP Molecular Germline Variant Investigation Process 2024. Collection method: clinical testing. Allele origin: germline.

Athena Diagnostics
Classification: Benign. Last evaluated: 2025-02-21. Review status: criteria provided, single submitter. Criteria: Athena Diagnostics Criteria. Collection method: clinical testing. Allele origin: unknown.
Comment: The frequency of this variant in the general population is higher than would generally be expected for pathogenic variants in this gene.

Mayo Clinic Laboratories, Mayo Clinic
Classification: Benign. Last evaluated: 2021-10-27. Review status: criteria provided, single submitter. Criteria: ACMG Guidelines, 2015. Collection method: clinical testing. Allele origin: germline. Observed: 15 variant alleles.
Comment: BS1, BS2, BP4, BP7

Genome-Nilou Lab
Classification: Benign for Autosomal recessive limb-girdle muscular dystrophy type 2J. Last evaluated: 2021-09-10. Review status: criteria provided, single submitter. Criteria: ACMG Guidelines, 2015. Collection method: clinical testing. Allele origin: germline. Affected: no.

Genome-Nilou Lab
Classification: Benign for Myopathy, myofibrillar, 9, with early respiratory failure. Last evaluated: 2021-09-10. Review status: criteria provided, single submitter. Criteria: ACMG Guidelines, 2015. Collection method: clinical testing. Allele origin: germline. Affected: no.

Genome-Nilou Lab
Classification: Benign for Early-onset myopathy with fatal cardiomyopathy. Last evaluated: 2021-09-10. Review status: criteria provided, single submitter. Criteria: ACMG Guidelines, 2015. Collection method: clinical testing. Allele origin: germline. Affected: no.

Genome-Nilou Lab
Classification: Benign for Tibial muscular dystrophy. Last evaluated: 2021-09-10. Review status: criteria provided, single submitter. Criteria: ACMG Guidelines, 2015. Collection method: clinical testing. Allele origin: germline. Affected: no.

Women's Health and Genetics/Laboratory Corporation of America, LabCorp
Classification: Benign. Last evaluated: 2019-11-06. Review status: criteria provided, single submitter. Criteria: LabCorp Variant Classification Summary - May 2015. Collection method: clinical testing. Allele origin: germline.
Comment: Variant summary: TTN c.4347A>G alters a non-conserved nucleotide resulting in a synonymous change. 5/5 computational tools predict no significant impact on normal splicing. However, these predictions have yet to be confirmed by functional studies. The variant allele was found at a frequency of 0.0028 in 250952 control chromosomes, predominantly at a frequency of 0.039 within the African or African-American subpopulation in the gnomAD database, including 21 homozygotes. The observed variant frequency within African or African-American control individuals in the gnomAD database is approximately 62-folds over the estimated maximal expected allele frequency for a pathogenic variant in TTN causing Cardiomyopathy phenotype (0.00063), strongly suggesting that the variant is a benign polymorphism found primarily in populations of African or African-American origin. A co-occurrence with another pathogenic variant has been reported (TTR c.424G>A, p.V142I). Five ClinVar submissions (evaluation after 2014) cite the variant as four times as benign and once as likely benign. Based on the evidence outlined above, the variant was classified as benign.

Illumina Laboratory Services, Illumina
Classification: Benign for Tibial muscular dystrophy. Last evaluated: 2018-01-13. Review status: criteria provided, single submitter. Criteria: ICSL Variant Classification Criteria 13 December 2019. Collection method: clinical testing. Allele origin: germline.
Comment: This variant was observed in the ICSL laboratory as part of a predisposition screen in an ostensibly healthy population. It had not been previously curated by ICSL or reported in the Human Gene Mutation Database (HGMD: prior to June 1st, 2018), and was therefore a candidate for classification through an automated scoring system. Utilizing variant allele frequency, disease prevalence and penetrance estimates, and inheritance mode, an automated score was calculated to assess if this variant is too frequent to cause the disease. Based on the score and internal cut-off values, a variant classified as benign is not then subjected to further curation. The score for this variant resulted in a classification of benign for this disease.

Illumina Laboratory Services, Illumina
Classification: Likely benign for Autosomal recessive limb-girdle muscular dystrophy type 2J. Last evaluated: 2018-01-13. Review status: criteria provided, single submitter. Criteria: ICSL Variant Classification Criteria 13 December 2019. Collection method: clinical testing. Allele origin: germline.
Comment: This variant was observed in the ICSL laboratory as part of a predisposition screen in an ostensibly healthy population. It had not been previously curated by ICSL or reported in the Human Gene Mutation Database (HGMD: prior to June 1st, 2018), and was therefore a candidate for classification through an automated scoring system. Utilizing variant allele frequency, disease prevalence and penetrance estimates, and inheritance mode, an automated score was calculated to assess if this variant is too frequent to cause the disease. Based on the score and internal cut-off values, a variant classified as likely benign is not then subjected to further curation. The score for this variant resulted in a classification of likely benign for this disease.

Illumina Laboratory Services, Illumina
Classification: Benign for Early-onset myopathy with fatal cardiomyopathy. Last evaluated: 2018-01-13. Review status: criteria provided, single submitter. Criteria: ICSL Variant Classification Criteria 13 December 2019. Collection method: clinical testing. Allele origin: germline.
Comment: the same text as in the submission from Illumina Laboratory Services, Illumina above.

Illumina Laboratory Services, Illumina
Classification: Benign for Myopathy, myofibrillar, 9, with early respiratory failure. Last evaluated: 2018-01-13. Review status: criteria provided, single submitter. Criteria: ICSL Variant Classification Criteria 13 December 2019. Collection method: clinical testing. Allele origin: germline.
Comment: the same text as in the submission from Illumina Laboratory Services, Illumina above.

Illumina Laboratory Services, Illumina
Classification: Likely benign for Dilated cardiomyopathy 1G. Last evaluated: 2018-01-13. Review status: criteria provided, single submitter. Criteria: ICSL Variant Classification Criteria 13 December 2019. Collection method: clinical testing. Allele origin: germline.
Comment: the same text as in the submission from Illumina Laboratory Services, Illumina above.

CHEO Genetics Diagnostic Laboratory, Children's Hospital of Eastern Ontario
Classification: Benign for Cardiomyopathy. Last evaluated: 2016-03-03. Review status: criteria provided, single submitter. Criteria: ACMG Guidelines, 2015. Collection method: clinical testing. Allele origin: germline. Study: Canadian Open Genetics Repository.

Ambry Genetics
Classification: Benign for Cardiovascular phenotype. Last evaluated: 2015-05-27. Review status: criteria provided, single submitter. Criteria: Ambry Variant Classification Scheme 2023. Collection method: clinical testing. Allele origin: germline.

Genetic Services Laboratory, University of Chicago
Classification: Benign. Last evaluated: 2015-02-10. Review status: criteria provided, single submitter. Criteria: ACMG Guidelines, 2015. Collection method: clinical testing. Allele origin: germline.

GeneDx
Classification: Benign. Last evaluated: 2014-04-07. Review status: criteria provided, single submitter. Criteria: GeneDx Variant Classification (06012015). Collection method: clinical testing. Allele origin: germline. Affected: yes.
Comment: This variant is considered likely benign or benign based on one or more of the following criteria: it is a conservative change, it occurs at a poorly conserved position in the protein, it is predicted to be benign by multiple in silico algorithms, and/or has population frequency not consistent with disease.

Laboratory for Molecular Medicine, Mass General Brigham Personalized Medicine
Classification: Benign. Last evaluated: 2012-07-31. Review status: criteria provided, single submitter. Criteria: LMM Criteria. Collection method: clinical testing. Allele origin: germline. Observed: 19 variant alleles.

Breakthrough Genomics
Classification: Likely benign. Review status: criteria provided, single submitter. Criteria: ACMG Guidelines, 2015. Collection method: not provided. Allele origin: germline. Inheritance: Autosomal recessive inheritance. Affected: yes.

Clinical Genetics DNA and cytogenetics Diagnostics Lab, Erasmus MC, Erasmus Medical Center
Classification: Benign. Review status: no assertion criteria provided. Collection method: clinical testing. Allele origin: germline. Affected: yes. Study: VKGL Data-share Consensus. Not counted in ClinVar's aggregate classification.

Clinical Genetics, Academic Medical Center
Classification: Benign. Review status: no assertion criteria provided. Collection method: clinical testing. Allele origin: germline. Affected: yes. Study: VKGL Data-share Consensus. Not counted in ClinVar's aggregate classification.

Laboratory of Diagnostic Genome Analysis, Leiden University Medical Center (LUMC)
Classification: Likely benign. Review status: no assertion criteria provided. Collection method: clinical testing. Allele origin: germline. Affected: yes. Study: VKGL Data-share Consensus. Not counted in ClinVar's aggregate classification.